The following is an entry in ClinVar:

NM_001286611.2(REPS1):c.1720+10A>G

Gene: REPS1 (RALBP1 associated Eps domain containing 1; minus strand). Cytogenetic location: 6q24.1.
Variant type: single nucleotide variant.
Coding change: c.1720+10A>G on transcript NM_001286611.2 (MANE Select); 10 bases into the intron after coding-DNA position 1720, A replaced by G.
Molecular consequence: intron variant.
Genome position (GRCh38, 1-based): chr6:138,915,848, T>C on the plus strand (A>G on the coding strand, the complement: REPS1 is on the minus strand). VCF-style: chr6-138915848-T-C. GRCh37 (hg19) VCF-style: chr6-139236985-T-C.
Other names: c.1448-1087A>G (NM_001286612.2); c.1639+10A>G (NM_001128617.3); c.1717+10A>G (NM_031922.5).
Identifiers: ClinVar variation 3042928 (VCV003042928.2), dbSNP rs377719514, ClinGen allele CA4024083.

ClinVar aggregate classification (germline): Likely benign (0 of 4 stars; one submission).

Conditions:
REPS1-related disorder. Also called: REPS1-related condition.

Allele frequency attached by ClinVar (database versions not stated): gnomAD exomes 0.00003; ExAC 0.00007; ESP Exome Variant Server 0.00015; gnomAD 0.00019; TOPMed 0.00024.

Submission:

PreventionGenetics, part of Exact Sciences
Classification: Likely benign for REPS1-related condition. Last evaluated: 2019-12-26. Review status: no assertion criteria provided. Collection method: clinical testing. Allele origin: germline.
Comment: This variant is classified as likely benign based on ACMG/AMP sequence variant interpretation guidelines (Richards et al. 2015 PMID: 25741868, with internal and published modifications).